The following is an entry in ClinVar:

ClinVar aggregate classification (germline): Pathogenic (1 of 4 stars; one submission).

Submission:

Labcorp Genetics (formerly Invitae), Labcorp
Classification: Pathogenic. Last evaluated: 2023-09-04. Review status: criteria provided, single submitter. Criteria: Invitae Variant Classification Sherloc (09022015). Collection method: clinical testing. Allele origin: germline.
Comment: For these reasons, this variant has been classified as Pathogenic. This variant has not been reported in the literature in individuals affected with FRAS1-related conditions. This variant is not present in population databases (gnomAD no frequency). This sequence change creates a premature translational stop signal (p.Pro3640Glnfs*5) in the FRAS1 gene. It is expected to result in an absent or disrupted protein product. Loss-of-function variants in FRAS1 are known to be pathogenic (PMID: 12766769, 18671281).

Literature cited by the submitters: PubMed 12766769; PubMed 18671281.

NM_025074.7(FRAS1):c.10919del (p.Pro3640fs)

Gene: FRAS1 (Fraser extracellular matrix complex subunit 1; plus strand). Cytogenetic location: 4q21.21.
Variant type: Deletion.
Coding change: c.10919del on transcript NM_025074.7 (MANE Select); coding-DNA position 10919, one base deleted (C; older notation c.10919delC).
Protein change: p.Pro3640fs; shifts the reading frame from proline 3640.
Molecular consequence: frameshift variant.
Genome position (GRCh38, 1-based): chr4:78,526,651, C deleted; the last of 4 consecutive C bases (chr4:78,526,648-78,526,651); deleting any one gives the same sequence. VCF-style (leftmost placement, unchanged base first): chr4-78526647-GC-G. GRCh37 (hg19) VCF-style: chr4-79447801-GC-G.
Other names: short protein forms P3640fs.
Identifiers: ClinVar variation 2758032 (VCV002758032.3), dbSNP rs2475838494, ClinGen allele CA2671142969.